The following is an entry in ClinVar:

NM_003742.4(ABCB11):c.1756del (p.Thr586fs)

Gene: ABCB11 (ATP binding cassette subfamily B member 11; minus strand). Cytogenetic location: 2q31.1.
Variant type: Deletion.
Coding change: c.1756del on transcript NM_003742.4 (MANE Select); coding-DNA position 1756, one base deleted (A; older notation c.1756delA).
Protein change: p.Thr586fs; shifts the reading frame from threonine 586.
Molecular consequence: frameshift variant.
Genome position (GRCh38, 1-based): chr2:168,970,098, T deleted on the plus strand (A on the coding strand, the reverse complement: ABCB11 is on the minus strand). VCF-style (leftmost placement, unchanged base first): chr2-168970097-GT-G. GRCh37 (hg19) VCF-style: chr2-169826607-GT-G.
Other names: short protein forms T586fs.
Identifiers: ClinVar variation 1995971 (VCV001995971.4), dbSNP rs2545383032, ClinGen allele CA2580064395.

ClinVar aggregate classification (germline): Pathogenic (1 of 4 stars; one submission).

Submission:

Labcorp Genetics (formerly Invitae), Labcorp
Classification: Pathogenic. Last evaluated: 2022-05-18. Review status: criteria provided, single submitter. Criteria: Invitae Variant Classification Sherloc (09022015). Collection method: clinical testing. Allele origin: germline.
Comment: This sequence change creates a premature translational stop signal (p.Thr586Profs*16) in the ABCB11 gene. It is expected to result in an absent or disrupted protein product. Loss-of-function variants in ABCB11 are known to be pathogenic (PMID: 18395098, 20232290). This variant is not present in population databases (gnomAD no frequency). This variant has not been reported in the literature in individuals affected with ABCB11-related conditions. For these reasons, this variant has been classified as Pathogenic.

Literature cited by the submitters: PubMed 18395098; PubMed 20232290.